The following is an entry in ClinVar:

NM_130849.4(SLC39A4):c.1661_1662dup (p.Val555fs)

Gene: SLC39A4 (solute carrier family 39 member 4; minus strand). Cytogenetic location: 8q24.3.
Variant type: Duplication.
Coding change: c.1661_1662dup on transcript NM_130849.4 (MANE Select); coding-DNA positions 1661 to 1662, 2 bases duplicated (CC; older notation c.1661_1662dupCC).
Protein change: p.Val555fs; shifts the reading frame from valine 555.
Molecular consequence: frameshift variant.
Genome position (GRCh38, 1-based): chr8:144,412,912-144,412,913, GG duplicated on the plus strand (CC on the coding strand, the reverse complement: SLC39A4 is on the minus strand). VCF-style (leftmost placement, unchanged base first): chr8-144412911-C-CGG. GRCh37 (hg19) VCF-style: chr8-145638295-C-CGG.
Other names: c.167_168dup, p.Val57fs (NM_001280557.2); c.1379_1380dup, p.Val461fs (NM_001374839.1); c.1586_1587dup, p.Val530fs (NM_017767.3); short protein forms V555fs, V461fs, V530fs, V57fs.
Identifiers: ClinVar variation 2809982 (VCV002809982.3), dbSNP rs2537425991, ClinGen allele CA2739269124.

ClinVar aggregate classification (germline): Pathogenic (1 of 4 stars; one submission).

Submission:

Labcorp Genetics (formerly Invitae), Labcorp
Classification: Pathogenic. Last evaluated: 2022-11-09. Review status: criteria provided, single submitter. Criteria: Invitae Variant Classification Sherloc (09022015). Collection method: clinical testing. Allele origin: germline.
Comment: This variant has not been reported in the literature in individuals affected with SLC39A4-related conditions. For these reasons, this variant has been classified as Pathogenic. This sequence change creates a premature translational stop signal (p.Val555Profs*8) in the SLC39A4 gene. It is expected to result in an absent or disrupted protein product. Loss-of-function variants in SLC39A4 are known to be pathogenic (PMID: 12955721). This variant is not present in population databases (gnomAD no frequency).

Literature cited by the submitters: PubMed 12955721.